The following is an entry in ClinVar:

ClinVar aggregate classification (germline): Uncertain significance. Review status: criteria provided, multiple submitters, no conflicts (2 of 4 stars). 2 submissions from 2 submitters: Uncertain significance (2). Last evaluated 2021-12-10.

Conditions:
Hyperaldosteronism, familial, type IV (HALD4). Also called: FH IV; ALDOSTERONISM, PRIMARY, AND HYPERTENSION. Identifiers: Orphanet 642671, MedGen C4310756, MONDO:0014875, OMIM 617027.
Epilepsy, childhood absence, susceptibility to, 6. Identifiers: Orphanet 64280, MedGen C2749872, MONDO:0012763, OMIM 611942.

Allele frequency attached by ClinVar (database versions not stated): gnomAD exomes below 0.00001; TOPMed 0.00001; ExAC 0.00002; ESP Exome Variant Server 0.00008.
gnomAD v4.1: 6 of 1,610,512 alleles (0.00037%); highest among the groups gnomAD compares: East Asian, 0.0022%; no homozygotes.

Submissions (2):

Fulgent Genetics
Classification: Uncertain significance for Epilepsy, childhood absence, susceptibility to, 6; Hyperaldosteronism, familial, type IV. Last evaluated: 2021-12-10. Review status: criteria provided, single submitter. Criteria: ACMG Guidelines, 2015. Collection method: clinical testing. Allele origin: unknown.

GeneDx
Classification: Uncertain significance. Last evaluated: 2021-12-09. Review status: criteria provided, single submitter. Criteria: GeneDx Variant Classification Process June 2021. Collection method: clinical testing. Allele origin: germline. Affected: yes.
Comment: In silico analysis supports that this missense variant has a deleterious effect on protein structure/function; Has not been previously published as pathogenic or benign to our knowledge

NM_021098.3(CACNA1H):c.1274C>T (p.Thr425Met)

Gene: CACNA1H (calcium voltage-gated channel subunit alpha1 H; plus strand). Cytogenetic location: 16p13.3.
Variant type: single nucleotide variant.
Coding change: c.1274C>T on transcript NM_021098.3 (MANE Select); coding-DNA position 1274, C replaced by T.
Protein change: p.Thr425Met; replaces threonine 425 with methionine.
Molecular consequence: missense variant.
Genome position (GRCh38, 1-based): chr16:1,201,724, C>T. VCF-style: chr16-1201724-C-T. GRCh37 (hg19) VCF-style: chr16-1251724-C-T.
Other names: c.1274C>T, p.Thr425Met (NM_001005407.2); short protein forms T425M.
Identifiers: ClinVar variation 1691576 (VCV001691576.4), dbSNP rs370007023, ClinGen allele CA7799897.
Genomic context (GRCh38, chr16:1,201,724, plus strand): 5'-TGGGCTCCTTCTTCATGATCAACCTGTGCCTGGTGGTGATTGCCACGCAGTTCTCGGAGA[C>T]GAAGCAGCGGGAGAGTCAGCTGATGCGGGAGCAGCGGGCACGCCACCTGTCCAACGACAG-3'
Protein context (NP_066921.2, residues 415-435): LVVIATQFSE[Thr425Met]KQRESQLMRE